The following is an entry in ClinVar:

ClinVar aggregate classification (germline): Benign. Review status: criteria provided, multiple submitters, no conflicts (2 of 4 stars). 2 submissions from 2 submitters: Benign (2). Last evaluated 2018-01-12.

Conditions:
Aicardi-Goutieres syndrome 3. Identifiers: Orphanet 51, MedGen C1835916, MONDO:0012471, OMIM 610329.

Allele frequency attached by ClinVar (database versions not stated): gnomAD exomes 0.33882; TOPMed 0.37286; gnomAD 0.37725 and 0.37279; 1000 Genomes Project 30x 0.30434; 1000 Genomes Project 0.30831.
gnomAD v4.1: 56,968 of 152,350 alleles (37%); highest among the groups gnomAD compares: Middle Eastern, 45%; 11,067 homozygotes.

Submissions (2):

Illumina Laboratory Services, Illumina
Classification: Benign for Aicardi-Goutieres syndrome 3. Last evaluated: 2018-01-12. Review status: criteria provided, single submitter. Criteria: ICSL Variant Classification Criteria 13 December 2019. Collection method: clinical testing. Allele origin: germline.
Comment: This variant was observed in the ICSL laboratory as part of a predisposition screen in an ostensibly healthy population. It had not been previously curated by ICSL or reported in the Human Gene Mutation Database (HGMD: prior to June 1st, 2018), and was therefore a candidate for classification through an automated scoring system. Utilizing variant allele frequency, disease prevalence and penetrance estimates, and inheritance mode, an automated score was calculated to assess if this variant is too frequent to cause the disease. Based on the score and internal cut-off values, a variant classified as benign is not then subjected to further curation. The score for this variant resulted in a classification of benign for this disease.

Breakthrough Genomics
Classification: Benign. Review status: criteria provided, single submitter. Criteria: ACMG Guidelines, 2015. Collection method: not provided. Allele origin: germline. Inheritance: Autosomal recessive inheritance. Affected: yes.

NM_032193.4(RNASEH2C):c.*1917T>C

Genes: RNASEH2C (ribonuclease H2 subunit C; minus strand), KAT5 (lysine acetyltransferase 5; plus strand). Cytogenetic location: 11q13.1.
Variant type: single nucleotide variant.
Coding change: c.*1917T>C on transcript NM_032193.4 (MANE Select); 1917 bases downstream of the stop codon, T replaced by C.
Molecular consequence: 3 prime UTR variant. On other transcripts: intron variant (4).
Genome position (GRCh38, 1-based): chr11:65,717,866, A>G on the plus strand (T>C on the coding strand, the complement: RNASEH2C is on the minus strand). VCF-style: chr11-65717866-A-G. GRCh37 (hg19) VCF-style: chr11-65485337-A-G.
Other names: c.1265-724A>G (NM_182710.3); c.1109-724A>G (NM_001206833.2); c.1166-724A>G (NM_006388.4); c.1010-724A>G (NM_182709.3).
Identifiers: ClinVar variation 305324 (VCV000305324.6), dbSNP rs535111, ClinGen allele CA10638992.